The following is an entry in ClinVar:

NM_078480.3(PUF60):c.367C>T (p.Arg123Trp)

Gene: PUF60 (poly(U) binding splicing factor 60; minus strand). Cytogenetic location: 8q24.3.
Variant type: single nucleotide variant.
Coding change: c.367C>T on transcript NM_078480.3 (MANE Select); coding-DNA position 367, C replaced by T.
Protein change: p.Arg123Trp; replaces arginine 123 with tryptophan.
Molecular consequence: missense variant.
Genome position (GRCh38, 1-based): chr8:143,818,516, G>A on the plus strand (C>T on the coding strand, the complement: PUF60 is on the minus strand). VCF-style: chr8-143818516-G-A. GRCh37 (hg19) VCF-style: chr8-144900686-G-A.
Other names: c.238C>T, p.Arg80Trp (NM_001136033.3); c.313C>T, p.Arg105Trp (NM_001271096.2); c.229C>T, p.Arg77Trp (NM_001271097.2); c.364C>T, p.Arg122Trp (NM_001271098.2); c.280C>T, p.Arg94Trp (NM_001271099.2); c.187C>T, p.Arg63Trp (NM_001271100.2); c.478C>T, p.Arg160Trp (NM_001362895.2, NM_001362896.2); c.427C>T, p.Arg143Trp (NM_001362897.2); and 1 more; short protein forms R105W, R106W, R122W, R123W, R143W, R160W, R63W, R77W.
Identifiers: ClinVar variation 3340606 (VCV003340606.2).

ClinVar aggregate classification (germline): Likely pathogenic. Review status: criteria provided, multiple submitters, no conflicts (2 of 4 stars). 2 submissions from 2 submitters: Likely pathogenic (2). Last evaluated 2023-12-21.

Conditions:
8q24.3 microdeletion syndrome. Also called: CHROMOSOME 8q24.3 DELETION SYNDROME; Verheij syndrome. Identifiers: Orphanet 508488, MedGen C3810023, MONDO:0014263, OMIM 615583.

Submissions (2):

Victorian Clinical Genetics Services, Murdoch Childrens Research Institute
Classification: Likely pathogenic for 8q24.3 microdeletion syndrome. Last evaluated: 2023-12-21. Review status: criteria provided, single submitter. Criteria: ACMG Guidelines, 2015. Collection method: clinical testing. Allele origin: germline. Inheritance: Autosomal dominant inheritance. Affected: yes.
Comment: Based on the classification scheme VCGS_Germline_v1.3.4, this variant is classified as Likely Pathogenic. Following criteria are met: 0102 - Loss of function is a known mechanism of disease in this gene and is associated with Verheij syndrome (MIM# 615583). (I) 0107 - This gene is associated with autosomal dominant disease. (I) 0115 - Variants in this gene are known to have variable expressivity (PMID: 28327570). (I) 0200 - Variant is predicted to result in a missense amino acid change from arginine to tryptophan. (I) 0251 - This variant is heterozygous. (I) 0301 - Variant is absent from gnomAD (both v2 and v3). (SP) 0309 - An alternative amino acid change at the same position has been observed in gnomAD (v2) (3 heterozygotes, 0 homozygotes). However, these heterozygotes have poor quality. (I) 0501 - Missense variant consistently predicted to be damaging by multiple in silico tools or highly conserved with a major amino acid change. (SP) 0603 - Missense variant in a region that is highly intolerant to missense variation (high constraint region in DECIPHER). (SP) 0705 - No comparable missense variants have previous evidence for pathogenicity. (I) 0808 - Previous reports of pathogenicity for this variant are conflicting. This variant has been reported as a VUS, and observed in an individual with hypertrophic cardiomyopathy (PMID: 32746448). It was also observed as de novo in another individual with intellectual disability, short stature, speech delay, hypotonia, agenesis of the corpus callosum, seizures, macrocephaly and dysmorphic features who had an additional likely benign variant in the MED12 gene (PMID: 30006928). (I) 0905 - No published segregation evidence has been identified for this variant. (I) 1007 - No published functional evidence has been identified for this variant. (SP) Legend: (SP) - Supporting pathogenic, (I) - Information, (SB) - Supporting benign

GeneDx
Classification: Likely pathogenic. Last evaluated: 2023-09-03. Review status: criteria provided, single submitter. Criteria: GeneDx Variant Classification Process June 2021. Collection method: clinical testing. Allele origin: germline. Affected: yes.
Comment: In silico analysis supports that this missense variant has a deleterious effect on protein structure/function; Not observed at significant frequency in large population cohorts (gnomAD); This variant is associated with the following publications: (PMID: 32746448, 30006928)

Literature cited by the submitters: PubMed 28327570 (cited by Victorian Clinical Genetics Services, Murdoch Childrens Research Institute); PubMed 30006928 (cited by Victorian Clinical Genetics Services, Murdoch Childrens Research Institute); PubMed 32746448 (cited by Victorian Clinical Genetics Services, Murdoch Childrens Research Institute).